The following is an entry in ClinVar:

NM_015681.6(B9D1):c.467G>A (p.Arg156Gln)

Gene: B9D1 (B9 domain containing 1; minus strand). Cytogenetic location: 17p11.2.
Variant type: single nucleotide variant.
Coding change: c.467G>A on transcript NM_015681.6 (MANE Select); coding-DNA position 467, G replaced by A.
Protein change: p.Arg156Gln; replaces arginine 156 with glutamine.
Molecular consequence: missense variant. On other transcripts: intron variant (1).
Genome position (GRCh38, 1-based): chr17:19,343,795, C>T on the plus strand (G>A on the coding strand, the complement: B9D1 is on the minus strand). VCF-style: chr17-19343795-C-T. GRCh37 (hg19) VCF-style: chr17-19247108-C-T.
Other names: B9D1, ARG156GLN; c.467G>A, p.Arg156Gln (NM_001321214.2, NM_001321215.3, NM_001321217.2 and 2 more transcripts); c.107G>A, p.Arg36Gln (NM_001368769.2); c.404+3474G>A (NM_001321219.2); c.467G>A (NM_015681.5); short protein forms R156Q, R36Q.
Identifiers: ClinVar variation 254678 (VCV000254678.15), dbSNP rs886038205, ClinGen allele CA10586695.

ClinVar aggregate classification (germline): Conflicting classifications of pathogenicity. Review status: criteria provided, conflicting classifications (1 of 4 stars). 5 submissions from 5 submitters: Pathogenic (1); Likely pathogenic (1); Uncertain significance (2). 1 of the submissions does not count toward it. Last evaluated 2025-04-25.

Conditions:
Joubert syndrome 27 (JBTS27). Identifiers: MedGen C4310706, MONDO:0014927, OMIM 617120.
Joubert syndrome and related disorders. Identifiers: Orphanet 140874, MedGen C5679612, MONDO:0015369.
Meckel-Gruber syndrome. Also called: Dysencephalia splachnocystica; GRUBER SYNDROME; DYSENCEPHALIA SPLANCHNOCYSTICA. Identifiers: Orphanet 564, MedGen C0265215, MONDO:0018921.
Joubert syndrome. Also called: JOUBERT-BOLTSHAUSER SYNDROME; Familial aplasia of the vermis. Identifiers: Orphanet 475, MedGen C5979921, MONDO:0018772.
Ciliopathy. Also called: Ciliopathies. Identifiers: Orphanet 363250, MedGen C4277690, MONDO:0005308, MeSH D000072661.

Allele frequency attached by ClinVar (database versions not stated): gnomAD exomes 0.00001; gnomAD 0.00001; TOPMed 0.00001.
gnomAD v4.1: 10 of 1,613,218 alleles (0.00062%); highest among the groups gnomAD compares: Non-Finnish European, 0.00085%; no homozygotes.

Submissions (5):

Women's Health and Genetics/Laboratory Corporation of America, LabCorp
Classification: Likely pathogenic for Joubert syndrome and related disorders. Last evaluated: 2025-04-25. Review status: criteria provided, single submitter. Criteria: LabCorp Variant Classification Summary - May 2015. Collection method: clinical testing. Allele origin: germline.
Comment: Variant summary: B9D1 c.467G>A (p.Arg156Gln) results in a conservative amino acid change in the encoded protein sequence. Four of five in-silico tools predict a damaging effect of the variant on protein function. The variant allele was found at a frequency of 8e-06 in 251246 control chromosomes. c.467G>A has been observed in homozygous or compound heterozygous individual(s) affected with Joubert Syndrome And Related Disorders (Romani_2014, internal data). These data indicate that the variant may be associated with disease. To our knowledge, no experimental evidence demonstrating an impact on protein function has been reported. The following publications have been ascertained in the context of this evaluation (PMID: 24886560, 36180924). ClinVar contains an entry for this variant (Variation ID: 254678). Based on the evidence outlined above, the variant was classified as likely pathogenic.

Labcorp Genetics (formerly Invitae), Labcorp
Classification: Pathogenic for Joubert syndrome; Meckel-Gruber syndrome. Last evaluated: 2025-01-20. Review status: criteria provided, single submitter. Criteria: Invitae Variant Classification Sherloc (09022015). Collection method: clinical testing. Allele origin: germline.
Comment: This sequence change replaces arginine, which is basic and polar, with glutamine, which is neutral and polar, at codon 156 of the B9D1 protein (p.Arg156Gln). This variant is present in population databases (no rsID available, gnomAD 0.002%). This missense change has been observed in individual(s) with Joubert syndrome (PMID: 24886560; internal data). In at least one individual the data is consistent with being in trans (on the opposite chromosome) from a pathogenic variant. ClinVar contains an entry for this variant (Variation ID: 254678). An algorithm developed to predict the effect of missense changes on protein structure and function (PolyPhen-2) suggests that this variant is likely to be disruptive. This variant disrupts the p.Arg156 amino acid residue in B9D1. Other variant(s) that disrupt this residue have been observed in individuals with B9D1-related conditions (PMID: 26092869), which suggests that this may be a clinically significant amino acid residue. For these reasons, this variant has been classified as Pathogenic.

Department of Pathology and Laboratory Medicine, Sinai Health System
Classification: Uncertain significance for ciliopathy. Last evaluated: 2022-04-20. Review status: criteria provided, single submitter. Criteria: ACMG Guidelines, 2015. Collection method: research. Allele origin: germline.

GeneDx
Classification: Uncertain significance. Last evaluated: 2021-11-23. Review status: criteria provided, single submitter. Criteria: GeneDx Variant Classification Process June 2021. Collection method: clinical testing. Allele origin: germline. Affected: yes.
Comment: Not observed at significant frequency in large population cohorts (gnomAD); In silico analysis supports that this missense variant has a deleterious effect on protein structure/function; This variant is associated with the following publications: (PMID: 32622957, 24886560)

OMIM
Classification: Pathogenic for JOUBERT SYNDROME 27. Last evaluated: 2016-09-23. Review status: no assertion criteria provided. Collection method: literature only. Allele origin: germline. Not counted in ClinVar's aggregate classification.

Literature cited by the submitters: PubMed 24886560 (cited by 3 submitters); PubMed 36180924 (cited by Women's Health and Genetics/Laboratory Corporation of America, LabCorp); PubMed 26092869 (cited by Labcorp Genetics (formerly Invitae), Labcorp).